The following is an entry in ClinVar:

NM_004563.4(PCK2):c.1447A>G (p.Thr483Ala)

Genes: NRL (neural retina leucine zipper; minus strand), PCK2 (phosphoenolpyruvate carboxykinase 2, mitochondrial; plus strand). Cytogenetic location: 14q12.
Variant type: single nucleotide variant.
Coding change: c.1447A>G on transcript NM_004563.4 (MANE Select); coding-DNA position 1447, A replaced by G.
Protein change: p.Thr483Ala; replaces threonine 483 with alanine.
Molecular consequence: missense variant. On other transcripts: intron variant (3).
Genome position (GRCh38, 1-based): chr14:24,103,234, A>G. VCF-style: chr14-24103234-A-G. GRCh37 (hg19) VCF-style: chr14-24572443-A-G.
Other names: c.1045A>G, p.Thr349Ala (NM_001291556.2, NM_001308054.2); c.-28+11488T>C (NM_001354768.3, NM_001354770.2); c.-254+11488T>C (NM_006177.5); short protein forms T483A, T349A.
Identifiers: ClinVar variation 618778 (VCV000618778.16), dbSNP rs541220581, ClinGen allele CA7123498.

ClinVar aggregate classification (germline): Uncertain significance. Review status: criteria provided, multiple submitters, no conflicts (2 of 4 stars). 3 submissions from 3 submitters: Uncertain significance (3). Last evaluated 2025-01-09.

Allele frequency attached by ClinVar (database versions not stated): ExAC 0.00005; gnomAD 0.00007; gnomAD exomes 0.00007; TOPMed 0.00008.
gnomAD v4.1: 119 of 1,613,742 alleles (0.0074%); highest among the groups gnomAD compares: Middle Eastern, 0.033%; no homozygotes.

Submissions (3):

Ambry Genetics
Classification: Uncertain significance. Last evaluated: 2025-01-09. Review status: criteria provided, single submitter. Criteria: Ambry Variant Classification Scheme 2023. Collection method: clinical testing. Allele origin: germline.

Labcorp Genetics (formerly Invitae), Labcorp
Classification: Uncertain significance. Last evaluated: 2024-11-11. Review status: criteria provided, single submitter. Criteria: Invitae Variant Classification Sherloc (09022015). Collection method: clinical testing. Allele origin: germline.
Comment: This sequence change replaces threonine, which is neutral and polar, with alanine, which is neutral and non-polar, at codon 483 of the PCK2 protein (p.Thr483Ala). This variant is present in population databases (rs541220581, gnomAD 0.01%). This variant has not been reported in the literature in individuals affected with PCK2-related conditions. ClinVar contains an entry for this variant (Variation ID: 618778). Invitae Evidence Modeling of protein sequence and biophysical properties (such as structural, functional, and spatial information, amino acid conservation, physicochemical variation, residue mobility, and thermodynamic stability) indicates that this missense variant is expected to disrupt PCK2 protein function with a positive predictive value of 80%. In summary, the available evidence is currently insufficient to determine the role of this variant in disease. Therefore, it has been classified as a Variant of Uncertain Significance.

ARUP Laboratories, Molecular Genetics and Genomics, ARUP Laboratories
Classification: Uncertain significance. Last evaluated: 2018-03-11. Review status: criteria provided, single submitter. Criteria: ARUP Molecular Germline Variant Investigation Process. Collection method: clinical testing. Allele origin: germline.
Comment: The PCK2 c.1447A>G; p.Thr483Ala variant (rs541220581), to our knowledge, is not reported in the medical literature, gene specific variation databases, nor has it been previously identified by our laboratory. This variant is listed in the genome Aggregation Database (gnomAD) with a non-Finnish European population frequency of 0.01% (identified on 17 out of 126,402 chromosomes). The threonine at position 483 is highly conserved, considering 12 species, and computational analyses of the effects of the p.Thr483Ala variant on protein structure and function predict a deleterious effect (SIFT: damaging, PolyPhen-2: probably damaging). Based on the available information, the clinical significance of the p.Thr483Ala variant cannot be determined with certainty.